The following is an entry in ClinVar:

ClinVar aggregate classification (germline): Likely pathogenic (1 of 4 stars; one submission).

Conditions:
Familial cancer of breast. Also called: BREAST CANCER, FAMILIAL; Hereditary breast cancer; hereditary breast carcinoma. Identifiers: Orphanet 227535, MedGen C0346153, MONDO:0016419, OMIM 114480. Disease mechanism: loss of function.

Submission:

Labcorp Genetics (formerly Invitae), Labcorp
Classification: Likely pathogenic for Familial cancer of breast. Last evaluated: 2020-11-01. Review status: criteria provided, single submitter. Criteria: Invitae Variant Classification Sherloc (09022015). Collection method: clinical testing. Allele origin: germline.
Comment: This sequence change affects a donor splice site in intron 3 of the BARD1 gene. It is expected to disrupt RNA splicing. Variants that disrupt the donor or acceptor splice site typically lead to a loss of protein function (PMID: 16199547), and loss-of-function variants in BARD1 are known to be pathogenic (PMID: 20077502, 21344236). This variant is not present in population databases (ExAC no frequency). This variant has not been reported in the literature in individuals with BARD1-related conditions. Algorithms developed to predict the effect of sequence changes on RNA splicing suggest that this variant may disrupt the consensus splice site, but this prediction has not been confirmed by published transcriptional studies. In summary, the currently available evidence indicates that the variant is pathogenic, but additional data are needed to prove that conclusively. Therefore, this variant has been classified as Likely Pathogenic.

Literature cited by the submitters: PubMed 16199547; PubMed 20077502; PubMed 21344236.

NM_000465.4(BARD1):c.363_364+1del

Gene: BARD1 (BRCA1 associated RING domain 1; minus strand). Cytogenetic location: 2q35.
Variant type: Deletion.
Coding change: c.363_364+1del on transcript NM_000465.4 (MANE Select); coding-DNA position 363 through the canonical splice donor site of the intron after coding-DNA position 364, 3 bases deleted (AGG; older notation c.363_364+1delAGG).
Molecular consequence: splice donor variant. On other transcripts: intron variant (2).
Genome position (GRCh38, 1-based): chr2:214,792,296-214,792,298, CCT deleted on the plus strand (AGG on the coding strand, the reverse complement: BARD1 is on the minus strand). VCF-style (leftmost placement, unchanged base first): chr2-214792295-ACCT-A. GRCh37 (hg19) VCF-style: chr2-215657019-ACCT-A.
Other names: c.158+17114_158+17116del (NM_001282548.2); c.306_307+1del (NM_001282543.2); c.215+4763_215+4765del (NM_001282545.2); c.363_364+1del (NM_001282549.2).
Identifiers: ClinVar variation 1494861 (VCV001494861.7), dbSNP rs2106134415, ClinGen allele CA2573135120.